The following is an entry in ClinVar:

NM_004333.6(BRAF):c.1124A>G (p.Glu375Gly)

Genes: BRAF (B-Raf proto-oncogene, serine/threonine kinase; minus strand), LOC126860202 (BRD4-independent group 4 enhancer GRCh37_chr7:140493623-140494822; plus strand). Cytogenetic location: 7q34.
Variant type: single nucleotide variant.
Coding change: c.1124A>G on transcript NM_004333.6 (MANE Select); coding-DNA position 1124, A replaced by G.
Protein change: p.Glu375Gly; replaces glutamic acid 375 with glycine.
Molecular consequence: missense variant.
Genome position (GRCh38, 1-based): chr7:140,794,324, T>C on the plus strand (A>G on the coding strand, the complement: BRAF is on the minus strand). VCF-style: chr7-140794324-T-C. GRCh37 (hg19) VCF-style: chr7-140494124-T-C.
Other names: c.1124A>G, p.Glu375Gly (NM_001354609.2, NM_001374244.1, NM_001374258.1 and 4 more transcripts); c.1133A>G, p.Glu378Gly (NM_001378467.1); c.1022A>G, p.Glu341Gly (NM_001378470.1); c.968A>G, p.Glu323Gly (NM_001378472.1, NM_001378473.1); c.860A>G, p.Glu287Gly (NM_001378475.1); short protein forms E287G, E341G, E378G, E323G, E375G.
Identifiers: ClinVar variation 3992544 (VCV003992544.1).

ClinVar aggregate classification (germline): Uncertain significance (1 of 4 stars; one submission).

Conditions:
Cardiovascular phenotype. Identifiers: MedGen CN230736.

Submission:

Ambry Genetics
Classification: Uncertain significance for Cardiovascular phenotype. Last evaluated: 2025-05-21. Review status: criteria provided, single submitter. Criteria: Ambry Variant Classification Scheme 2023. Collection method: clinical testing. Allele origin: germline.
Comment: The c.1124A>G (p.E375G) alteration is located in exon 8 (coding exon 8) of the BRAF gene. This alteration results from an A to G substitution at nucleotide position 1124, causing the glutamic acid (E) at amino acid position 375 to be replaced by a glycine (G). This variant was not reported in population-based cohorts in the Genome Aggregation Database (gnomAD). This amino acid position is highly conserved in available vertebrate species. This alteration is predicted to be deleterious by in silico analysis. Based on insufficient or conflicting evidence, the clinical significance of this alteration remains unclear.